The following is an entry in ClinVar:

ClinVar aggregate classification (germline): Uncertain significance (1 of 4 stars; one submission).

Allele frequency attached by ClinVar (database versions not stated): gnomAD exomes below 0.00001.
gnomAD v4.1: 1 of 1,614,220 alleles (0.000062%); highest among the groups gnomAD compares: Non-Finnish European, 0.000085%; no homozygotes.

Submission:

Labcorp Genetics (formerly Invitae), Labcorp
Classification: Uncertain significance. Last evaluated: 2022-09-06. Review status: criteria provided, single submitter. Criteria: Invitae Variant Classification Sherloc (09022015). Collection method: clinical testing. Allele origin: germline.
Comment: In summary, the available evidence is currently insufficient to determine the role of this variant in disease. Therefore, it has been classified as a Variant of Uncertain Significance. Advanced modeling of protein sequence and biophysical properties (such as structural, functional, and spatial information, amino acid conservation, physicochemical variation, residue mobility, and thermodynamic stability) performed at Invitae indicates that this missense variant is expected to disrupt LRP2 protein function. ClinVar contains an entry for this variant (Variation ID: 1522469). This variant has not been reported in the literature in individuals affected with LRP2-related conditions. This variant is not present in population databases (gnomAD no frequency). This sequence change replaces histidine, which is basic and polar, with arginine, which is basic and polar, at codon 2408 of the LRP2 protein (p.His2408Arg).

NM_004525.3(LRP2):c.7223A>G (p.His2408Arg)

Gene: LRP2 (LDL receptor related protein 2; minus strand). Cytogenetic location: 2q31.1.
Variant type: single nucleotide variant.
Coding change: c.7223A>G on transcript NM_004525.3 (MANE Select); coding-DNA position 7223, A replaced by G.
Protein change: p.His2408Arg; replaces histidine 2408 with arginine.
Molecular consequence: missense variant.
Genome position (GRCh38, 1-based): chr2:169,206,497, T>C on the plus strand (A>G on the coding strand, the complement: LRP2 is on the minus strand). VCF-style: chr2-169206497-T-C. GRCh37 (hg19) VCF-style: chr2-170063007-T-C.
Other names: short protein forms H2408R.
Identifiers: ClinVar variation 1522469 (VCV001522469.8), dbSNP rs2105332868, ClinGen allele CA349171280.